The following is an entry in ClinVar:

NM_005357.4(LIPE):c.522A>G (p.Glu174=)

Genes: LIPE (lipase E, hormone sensitive type; minus strand), LIPE-AS1 (LIPE antisense RNA 1; plus strand). Cytogenetic location: 19q13.2.
Variant type: single nucleotide variant.
Coding change: c.522A>G on transcript NM_005357.4 (MANE Select); coding-DNA position 522, A replaced by G.
Protein change: p.Glu174=; no amino-acid change (glutamic acid 174 retained).
Molecular consequence: synonymous variant.
Genome position (GRCh38, 1-based): chr19:42,426,628, T>C on the plus strand (A>G on the coding strand, the complement: LIPE is on the minus strand). VCF-style: chr19-42426628-T-C. GRCh37 (hg19) VCF-style: chr19-42930780-T-C.
Identifiers: ClinVar variation 742549 (VCV000742549.6), dbSNP rs149105201, ClinGen allele CA9477325.

ClinVar aggregate classification (germline): Benign/Likely benign. Review status: criteria provided, multiple submitters, no conflicts (2 of 4 stars). 3 submissions from 3 submitters: Benign (1); Likely benign (1). 1 of the submissions does not count toward it. Last evaluated 2024-05-28.

Conditions:
LIPE-related disorder. Also called: LIPE-related condition.

Allele frequency attached by ClinVar (database versions not stated): gnomAD exomes 0.00009 and 0.00027; ExAC 0.00030; 1000 Genomes Project 30x 0.00047; 1000 Genomes Project 0.00060; ESP Exome Variant Server 0.00092; gnomAD 0.00115 and 0.00124; TOPMed 0.00123.
gnomAD v4.1: 301 of 1,614,214 alleles (0.019%); highest among the groups gnomAD compares: African/African-American, 0.37%; no homozygotes.

Submissions (3):

Blueprint Genetics
Classification: Likely benign. Last evaluated: 2024-05-28. Review status: criteria provided, single submitter. Criteria: ACMG Guidelines, 2015. Collection method: clinical testing. Allele origin: germline.

Labcorp Genetics (formerly Invitae), Labcorp
Classification: Benign. Last evaluated: 2018-08-17. Review status: criteria provided, single submitter. Criteria: Invitae Variant Classification Sherloc (09022015). Collection method: clinical testing. Allele origin: germline.

PreventionGenetics, part of Exact Sciences
Classification: Likely benign for LIPE-related condition. Last evaluated: 2019-05-06. Review status: no assertion criteria provided. Collection method: clinical testing. Allele origin: germline. Not counted in ClinVar's aggregate classification.
Comment: This variant is classified as likely benign based on ACMG/AMP sequence variant interpretation guidelines (Richards et al. 2015 PMID: 25741868, with internal and published modifications).